The following is an entry in ClinVar:

NM_006267.5(RANBP2):c.8600-14G>T

Gene: RANBP2 (RAN binding protein 2; plus strand). Cytogenetic location: 2q13.
Variant type: single nucleotide variant.
Coding change: c.8600-14G>T on transcript NM_006267.5 (MANE Select); 14 bases into the intron before coding-DNA position 8600, G replaced by T.
Molecular consequence: intron variant.
Genome position (GRCh38, 1-based): chr2:108,781,255, G>T. VCF-style: chr2-108781255-G-T. GRCh37 (hg19) VCF-style: chr2-109397711-G-T.
Identifiers: ClinVar variation 381859 (VCV000381859.11), dbSNP rs57063709, ClinGen allele CA1823889.
Genomic context (GRCh38, chr2:108,781,255, plus strand): 5'-TTGATAAAATAAGAGGGGGATGAAAAATGTAAAAAATAGATACTAGTGTTTAAATATCCT[G>T]ATTTATTCATCAGATAAAAATTTCCAATGGGCAAATACTGGAGCAGCTGTGTTTGGAACA-3'

ClinVar aggregate classification (germline): Benign. Review status: criteria provided, multiple submitters, no conflicts (2 of 4 stars). 2 submissions from 2 submitters: Benign (2). Last evaluated 2026-01-16.

Conditions:
Familial acute necrotizing encephalopathy (IIAE3). Also called: ENCEPHALOPATHY, ACUTE, INFECTION-INDUCED, SUSCEPTIBILITY TO, 3; Susceptibility to Acute Necrotizing Encephalopathy 1. Identifiers: Orphanet 88619, MedGen C2675556, MONDO:0011953, OMIM 608033.

Allele frequency attached by ClinVar (database versions not stated): gnomAD exomes 0.00130 and 0.00336; ExAC 0.00428; 1000 Genomes Project 0.01218; gnomAD 0.01326 and 0.01439; 1000 Genomes Project 30x 0.01327; ESP Exome Variant Server 0.01576; TOPMed 0.01546.
gnomAD v4.1: 4,009 of 1,613,960 alleles (0.25%); highest among the groups gnomAD compares: African/African-American, 4.8%; 84 homozygotes.

Submissions (2):

Labcorp Genetics (formerly Invitae), Labcorp
Classification: Benign for Familial acute necrotizing encephalopathy. Last evaluated: 2026-01-16. Review status: criteria provided, single submitter. Criteria: Invitae Variant Classification Sherloc (09022015). Collection method: clinical testing. Allele origin: germline.

GeneDx
Classification: Benign. Last evaluated: 2016-04-08. Review status: criteria provided, single submitter. Criteria: GeneDx Variant Classification (06012015). Collection method: clinical testing. Allele origin: germline. Affected: yes.
Comment: This variant is considered likely benign or benign based on one or more of the following criteria: it is a conservative change, it occurs at a poorly conserved position in the protein, it is predicted to be benign by multiple in silico algorithms, and/or has population frequency not consistent with disease.